The following is an entry in ClinVar:

ClinVar aggregate classification (germline): Uncertain significance (1 of 4 stars; one submission).

Conditions:
Inborn genetic diseases. Identifiers: MedGen C0950123, MeSH D030342.

Allele frequency attached by ClinVar (database versions not stated): gnomAD 0.00001; gnomAD exomes 0.00001.
gnomAD v4.1: 6 of 1,614,040 alleles (0.00037%); highest among the groups gnomAD compares: Non-Finnish European, 0.00051%; no homozygotes.

Submission:

Ambry Genetics
Classification: Uncertain significance for Inborn genetic diseases. Last evaluated: 2022-02-07. Review status: criteria provided, single submitter. Criteria: Ambry Variant Classification Scheme 2023. Collection method: clinical testing. Allele origin: germline.
Comment: The p.M338T variant (also known as c.1013T>C), located in coding exon 8 of the EPAS1 gene, results from a T to C substitution at nucleotide position 1013. The methionine at codon 338 is replaced by threonine, an amino acid with similar properties. This amino acid position is conserved. In addition, this alteration is predicted to be tolerated by in silico analysis. Since supporting evidence is limited at this time, the clinical significance of this alteration remains unclear.

NM_001430.5(EPAS1):c.1013T>C (p.Met338Thr)

Gene: EPAS1 (endothelial PAS domain protein 1; plus strand). Cytogenetic location: 2p21.
Variant type: single nucleotide variant.
Coding change: c.1013T>C on transcript NM_001430.5 (MANE Select); coding-DNA position 1013, T replaced by C.
Protein change: p.Met338Thr; replaces methionine 338 with threonine.
Molecular consequence: missense variant.
Genome position (GRCh38, 1-based): chr2:46,375,816, T>C. VCF-style: chr2-46375816-T-C. GRCh37 (hg19) VCF-style: chr2-46602955-T-C.
Other names: short protein forms M338T.
Identifiers: ClinVar variation 1737117 (VCV001737117.2), dbSNP rs1196003836, ClinGen allele CA346702967.